The following is an entry in ClinVar:

NM_001378183.1(PIEZO2):c.7471del (p.Ile2490_Leu2491insTer)

Gene: PIEZO2 (piezo type mechanosensitive ion channel component 2; minus strand). Cytogenetic location: 18p11.22.
Variant type: Deletion.
Coding change: c.7471del on transcript NM_001378183.1 (MANE Select); coding-DNA position 7471, one base deleted (C; older notation c.7471delC).
Protein change: p.Ile2490_Leu2491insTer.
Molecular consequence: nonsense.
Genome position (GRCh38, 1-based): chr18:10,689,681, G deleted on the plus strand (C on the coding strand, the reverse complement: PIEZO2 is on the minus strand); the first of 2 consecutive G bases (chr18:10,689,681-10,689,682); deleting either gives the same sequence. VCF-style (leftmost placement, unchanged base first): chr18-10689680-AG-A. GRCh37 (hg19) VCF-style: chr18-10689678-AG-A.
Other names: c.7207del, p.Ile2402_Leu2403insTer (NM_001410871.1); c.7132del, p.Ile2377_Leu2378insTer (NM_022068.4).
Identifiers: ClinVar variation 4291951 (VCV004291951.1).

ClinVar aggregate classification (germline): Likely pathogenic (1 of 4 stars; one submission).

Conditions:
Arthrogryposis, distal, with impaired proprioception and touch (DAIPT). Identifiers: MedGen C4310692, MONDO:0014941, OMIM 617146.

Submission:

3billion
Classification: Likely pathogenic for Arthrogryposis, distal, with impaired proprioception and touch. Last evaluated: 2024-06-20. Review status: criteria provided, single submitter. Criteria: ACMG Guidelines, 2015. Collection method: clinical testing. Allele origin: germline. Affected: yes.
Comment: The variant is not observed in the gnomAD v4.0.0 dataset. Predicted Consequence/Location: Stop-gained (nonsense): predicted to result in a loss or disruption of normal protein function through nonsense-mediated decay (NMD) or protein truncation. Multiple pathogenic variants are reported downstream of the variant. Therefore, this variant is classified as Likely pathogenic according to the recommendation of ACMG/AMP guideline.